The following is an entry in ClinVar:

NM_000132.4(F8):c.493C>T (p.Pro165Ser)

Gene: F8 (coagulation factor VIII; minus strand). Cytogenetic location: Xq28.
Variant type: single nucleotide variant.
Coding change: c.493C>T on transcript NM_000132.4 (MANE Select); coding-DNA position 493, C replaced by T.
Protein change: p.Pro165Ser; replaces proline 165 with serine.
Molecular consequence: missense variant.
Genome position (GRCh38, 1-based): chrX:154,993,044, G>A on the plus strand (C>T on the coding strand, the complement: F8 is on the minus strand). VCF-style: chrX-154993044-G-A. GRCh37 (hg19) VCF-style: chrX-154221319-G-A.
Other names: F8, PRO146SER; P146S; short protein forms P165S.
Identifiers: ClinVar variation 10176 (VCV000010176.12), dbSNP rs137852393, ClinGen allele CA255065.

ClinVar aggregate classification (germline): Pathogenic/Likely pathogenic. Review status: criteria provided, multiple submitters, no conflicts (2 of 4 stars). 4 submissions from 4 submitters: Pathogenic (1); Likely pathogenic (2). 1 of the submissions does not count toward it. Last evaluated 2024-09-30.

Conditions:
Hereditary factor VIII deficiency disease (HEMA). Also called: AUTOSOMAL HEMOPHILIA A; HEMOPHILIA, CLASSIC; Hemophilia A; Hemophilia A, congenital; HEM A; Factor 8 deficiency, congenital. Identifiers: Orphanet 98878, MedGen C0019069, MONDO:0010602, OMIM 306700.

Allele frequency attached by ClinVar (database versions not stated): gnomAD exomes below 0.00001 and 0.00001.
gnomAD v4.1: 1 of 1,211,458 alleles (0.000083%); highest among the groups gnomAD compares: Admixed American, 0.0022%; no homozygotes.

Submissions (4):

Women's Health and Genetics/Laboratory Corporation of America, LabCorp
Classification: Likely pathogenic for Hereditary factor VIII deficiency disease. Last evaluated: 2024-09-30. Review status: criteria provided, single submitter. Criteria: LabCorp Variant Classification Summary - May 2015. Collection method: clinical testing. Allele origin: germline.
Comment: Variant summary: F8 c.493C>T (p.Pro165Ser) results in a non-conservative amino acid change located in the Multicopper oxidase-like, N-terminal domain (IPR011707) of the encoded protein sequence. Five of five in-silico tools predict a damaging effect of the variant on protein function. The variant allele was found at a frequency of 5.5e-06 in 183420 control chromosomes. c.493C>T has been reported in the literature in individuals affected with Factor VIII Deficiency (Hemophilia A) (Lin_1991, Shinozawa_2021). These data indicate that the variant may be associated with disease. At least one publication reports experimental evidence evaluating an impact on protein function. The most pronounced variant effect results in <1% of normal F8 activity (Lin_1991). The following publications have been ascertained in the context of this evaluation (PMID: 8307558, 33254277). ClinVar contains an entry for this variant (Variation ID: 10176). Based on the evidence outlined above, the variant was classified as likely pathogenic.

ARUP Laboratories, Molecular Genetics and Genomics, ARUP Laboratories
Classification: Pathogenic. Last evaluated: 2023-11-14. Review status: criteria provided, single submitter. Criteria: ARUP Molecular Germline Variant Investigation Process 2024. Collection method: clinical testing. Allele origin: germline.
Comment: The F8 c.493C>T; p.Pro165Ser variant (rs137852393) is reported in the literature in an individual affected with severe hemophilia A (see F8 database and references therein). In vitro functional analyses demonstrate that individuals with this variant have factor VIII activity of <1% (F8 database). This variant is only observed on one allele in the Genome Aggregation Database, indicating it is not a common polymorphism. Additionally, another variant at this codon (c.494C>T, p.Pro165Leu) has been reported in individuals with hemophilia A and is considered pathogenic (Johnsen 2017). Computational analyses predict that this variant is deleterious (REVEL: 0.951). Based on available information, this variant is considered to be pathogenic. References: F8 database: Johnsen JM et al. Novel approach to genetic analysis and results in 3000 hemophilia patients enrolled in the My Life, Our Future initiative. Blood Adv. 2017 May 18;1(13):824-834. PMID: 29296726.

Genetics and Molecular Pathology, SA Pathology
Classification: Likely pathogenic for Hereditary factor VIII deficiency disease. Last evaluated: 2022-06-16. Review status: criteria provided, single submitter. Criteria: ACMG Guidelines, 2015. Collection method: clinical testing. Allele origin: germline. Inheritance: X-linked recessive inheritance. Affected: yes.

OMIM
Classification: Pathogenic for HEMOPHILIA A. Last evaluated: 1993-12-01. Review status: no assertion criteria provided. Collection method: literature only. Allele origin: germline. Not counted in ClinVar's aggregate classification.

Literature cited by the submitters: PubMed 19473423 (cited by Women's Health and Genetics/Laboratory Corporation of America, LabCorp); PubMed 8307558 (cited by Women's Health and Genetics/Laboratory Corporation of America, LabCorp and OMIM); PubMed 33254277 (cited by Women's Health and Genetics/Laboratory Corporation of America, LabCorp).